The following is an entry in ClinVar:

NM_001204.7(BMPR2):c.500C>G (p.Ala167Gly)

Gene: BMPR2 (bone morphogenetic protein receptor type 2; plus strand). Cytogenetic location: 2q33.2.
Variant type: single nucleotide variant.
Coding change: c.500C>G on transcript NM_001204.7 (MANE Select); coding-DNA position 500, C replaced by G.
Protein change: p.Ala167Gly; replaces alanine 167 with glycine.
Molecular consequence: missense variant.
Genome position (GRCh38, 1-based): chr2:202,513,800, C>G. VCF-style: chr2-202513800-C-G. GRCh37 (hg19) VCF-style: chr2-203378523-C-G.
Other names: short protein forms A167G.
Identifiers: ClinVar variation 3824762 (VCV003824762.1).

ClinVar aggregate classification (germline): Uncertain significance (1 of 4 stars; one submission).

Conditions:
Inborn genetic diseases. Identifiers: MedGen C0950123, MeSH D030342.

Submission:

Ambry Genetics
Classification: Uncertain significance for Inborn genetic diseases. Last evaluated: 2024-12-20. Review status: criteria provided, single submitter. Criteria: Ambry Variant Classification Scheme 2023. Collection method: clinical testing. Allele origin: germline.
Comment: The p.A167G variant (also known as c.500C>G), located in coding exon 4 of the BMPR2 gene, results from a C to G substitution at nucleotide position 500. The alanine at codon 167 is replaced by glycine, an amino acid with similar properties. This amino acid position is conserved. In addition, the in silico prediction for this alteration is inconclusive. Based on the available evidence, the clinical significance of this variant remains unclear.